The following is an entry in ClinVar:

NM_021628.3(ALOXE3):c.784+1G>A

Gene: ALOXE3 (arachidonate epidermal lipoxygenase 3; minus strand). Cytogenetic location: 17p13.1.
Variant type: single nucleotide variant.
Coding change: c.784+1G>A on transcript NM_021628.3 (MANE Select); the canonical splice donor site of the intron after coding-DNA position 784, G replaced by A.
Molecular consequence: splice donor variant.
Genome position (GRCh38, 1-based): chr17:8,112,092, C>T on the plus strand (G>A on the coding strand, the complement: ALOXE3 is on the minus strand). VCF-style: chr17-8112092-C-T. GRCh37 (hg19) VCF-style: chr17-8015410-C-T.
Other names: c.1180+1G>A (NM_001165960.1); c.781+1G>A (NM_001369446.1).
Identifiers: ClinVar variation 3620009 (VCV003620009.2).

ClinVar aggregate classification (germline): Pathogenic (1 of 4 stars; one submission).

Submission:

Labcorp Genetics (formerly Invitae), Labcorp
Classification: Pathogenic. Last evaluated: 2024-05-20. Review status: criteria provided, single submitter. Criteria: Invitae Variant Classification Sherloc (09022015). Collection method: clinical testing. Allele origin: germline.
Comment: This sequence change affects a donor splice site in intron 7 of the ALOXE3 gene. It is expected to disrupt RNA splicing. Variants that disrupt the donor or acceptor splice site typically lead to a loss of protein function (PMID: 16199547), and loss-of-function variants in ALOXE3 are known to be pathogenic (PMID: 11773004, 19890349, 27025581). This variant is present in population databases (rs774451998, gnomAD 0.0009%). Disruption of this splice site has been observed in individual(s) with congenital ichthyosis (Invitae). Algorithms developed to predict the effect of sequence changes on RNA splicing suggest that this variant may disrupt the consensus splice site. For these reasons, this variant has been classified as Pathogenic.

Literature cited by the submitters: PubMed 16199547; PubMed 11773004; PubMed 19890349; PubMed 27025581.